The following is an entry in ClinVar:

ClinVar aggregate classification (germline): Uncertain significance. Review status: criteria provided, multiple submitters, no conflicts (2 of 4 stars). 2 submissions from 2 submitters: Uncertain significance (2). Last evaluated 2025-11-24.

Conditions:
KMT2D-related disorder. Also called: KMT2D-Related Disorders.

Submissions (2):

PreventionGenetics, part of Exact Sciences
Classification: Uncertain significance for KMT2D-related condition. Last evaluated: 2025-11-24. Review status: criteria provided, single submitter. Criteria: ACMG Guidelines, 2015. Collection method: clinical testing. Allele origin: germline.
Comment: The KMT2D c.11233_11277dup45 variant is predicted to result in an in-frame duplication (p.Gln3745_Gln3759dup). To our knowledge, this variant has not been reported in the literature. This variant is reported in 0.0089% of alleles in individuals of African descent in gnomAD. At this time, the clinical significance of this variant is uncertain due to the absence of conclusive functional and genetic evidence.

GeneDx
Classification: Uncertain significance. Last evaluated: 2022-06-24. Review status: criteria provided, single submitter. Criteria: GeneDx Variant Classification Process June 2021. Collection method: clinical testing. Allele origin: germline. Affected: yes.
Comment: In-frame insertion of 15 amino acids in a repetitive region with no known function; Has not been previously published as pathogenic or benign to our knowledge

NM_003482.4(KMT2D):c.11233_11277dup (p.Gln3759_Gly3760insGlnHisLeuLeuGlyGlnValAlaIleGlnGlnGlnGlnGlnGln)

Gene: KMT2D (lysine methyltransferase 2D; minus strand). Cytogenetic location: 12q13.12.
Variant type: Duplication.
Coding change: c.11233_11277dup on transcript NM_003482.4 (MANE Select); coding-DNA positions 11233 to 11277, 45 bases duplicated.
Protein change: p.Gln3759_Gly3760insGlnHisLeuLeuGlyGlnValAlaIleGlnGlnGlnGlnGlnGln.
Molecular consequence: inframe insertion. On other transcripts: inframe indel (1).
Genome position (GRCh38, 1-based): chr12:49,033,428-49,033,472, 45 bases duplicated; duplicating any 45 consecutive bases within chr12:49,033,428-49,033,490 gives the same sequence; the c. name uses the placement nearest the transcript's 3' end. GRCh37 (hg19): chr12:49,427,229-49,427,273.
Other names: c.11233_11277dup (NM_003482.3); c.11233_11277dup45 (NM_003482.3).
Identifiers: ClinVar variation 1806720 (VCV001806720.2), dbSNP rs774171901, ClinGen allele CA605233652.